The following is an entry in ClinVar:

NM_000256.3(MYBPC3):c.1499A>C (p.Lys500Thr)

Gene: MYBPC3 (myosin binding protein C3; minus strand). Cytogenetic location: 11p11.2.
Variant type: single nucleotide variant.
Coding change: c.1499A>C on transcript NM_000256.3 (MANE Select); coding-DNA position 1499, A replaced by C.
Protein change: p.Lys500Thr; replaces lysine 500 with threonine.
Molecular consequence: missense variant.
Genome position (GRCh38, 1-based): chr11:47,342,703, T>G on the plus strand (A>C on the coding strand, the complement: MYBPC3 is on the minus strand). VCF-style: chr11-47342703-T-G. GRCh37 (hg19) VCF-style: chr11-47364254-T-G.
Other names: c.1499A>C, p.Lys500Thr (LRG_386t1); short protein forms K500T.
Identifiers: ClinVar variation 657978 (VCV000657978.11), dbSNP rs761672176, ClinGen allele CA078145.

ClinVar aggregate classification (germline): Uncertain significance. Review status: criteria provided, multiple submitters, no conflicts (2 of 4 stars). 2 submissions from 2 submitters: Uncertain significance (2). Last evaluated 2025-08-18.

Conditions:
Hypertrophic cardiomyopathy 4. Also called: Familial hypertrophic cardiomyopathy 4. Identifiers: MedGen C1861862, MONDO:0007268, OMIM 115197.
Left ventricular noncompaction 10 (LVNC10). Identifiers: Orphanet 154, Orphanet 54260, MedGen C3715165, MONDO:0014163, OMIM 615396.
Hypertrophic cardiomyopathy. Also called: HYPERTROPHIC MYOCARDIOPATHY. Identifiers: Orphanet 217569, MedGen C0007194, MeSH D002312, MONDO:0005045, HP:0001639.

Allele frequency attached by ClinVar (database versions not stated): gnomAD exomes below 0.00001 and 0.00001; ExAC 0.00001; TOPMed 0.00001.
gnomAD v4.1: 2 of 1,614,006 alleles (0.00012%); highest among the groups gnomAD compares: Admixed American, 0.0033%; no homozygotes.

Submissions (2):

Labcorp Genetics (formerly Invitae), Labcorp
Classification: Uncertain significance for Hypertrophic cardiomyopathy. Last evaluated: 2025-08-18. Review status: criteria provided, single submitter. Criteria: Invitae Variant Classification Sherloc (09022015). Collection method: clinical testing. Allele origin: germline.
Comment: This sequence change replaces lysine, which is basic and polar, with threonine, which is neutral and polar, at codon 500 of the MYBPC3 protein (p.Lys500Thr). This variant is present in population databases (rs761672176, gnomAD 0.006%). This variant has not been reported in the literature in individuals affected with MYBPC3-related conditions. ClinVar contains an entry for this variant (Variation ID: 657978). An algorithm developed to predict the effect of missense changes on protein structure and function (PolyPhen-2) suggests that this variant is likely to be disruptive. In summary, the available evidence is currently insufficient to determine the role of this variant in disease. Therefore, it has been classified as a Variant of Uncertain Significance.

Fulgent Genetics
Classification: Uncertain significance for Hypertrophic cardiomyopathy 4; Left ventricular noncompaction 10. Last evaluated: 2021-08-26. Review status: criteria provided, single submitter. Criteria: ACMG Guidelines, 2015. Collection method: clinical testing. Allele origin: unknown.